The following is an entry in ClinVar:

NM_000165.5(GJA1):c.1066C>A (p.Leu356Ile)

Gene: GJA1 (gap junction protein alpha 1; plus strand). Cytogenetic location: 6q22.31.
Variant type: single nucleotide variant.
Coding change: c.1066C>A on transcript NM_000165.5 (MANE Select); coding-DNA position 1066, C replaced by A.
Protein change: p.Leu356Ile; replaces leucine 356 with isoleucine.
Molecular consequence: missense variant.
Genome position (GRCh38, 1-based): chr6:121,447,913, C>A. VCF-style: chr6-121447913-C-A. GRCh37 (hg19) VCF-style: chr6-121769059-C-A.
Other names: short protein forms L356I.
Identifiers: ClinVar variation 3233891 (VCV003233891.2), dbSNP rs1375165198, ClinGen allele CA365561005.

ClinVar aggregate classification (germline): Uncertain significance (1 of 4 stars; one submission).

Submission:

Women's Health and Genetics/Laboratory Corporation of America, LabCorp
Classification: Uncertain significance. Last evaluated: 2024-03-18. Review status: criteria provided, single submitter. Criteria: LabCorp Variant Classification Summary - May 2015. Collection method: clinical testing. Allele origin: germline.
Comment: Variant summary: GJA1 c.1066C>A (p.Leu356Ile) results in a conservative amino acid change located in the Gap junction alpha-1 protein (Cx43), C-terminal domain (IPR013124) of the encoded protein sequence. Three of five in-silico tools predict a benign effect of the variant on protein function. The variant was absent in 249794 control chromosomes. The available data on variant occurrences in the general population are insufficient to allow any conclusion about variant significance. To our knowledge, no occurrence of c.1066C>A in individuals affected with Oculodentodigital Dysplasia and no experimental evidence demonstrating its impact on protein function have been reported. No submitters have cited clinical-significance assessments for this variant to ClinVar. Based on the evidence outlined above, the variant was classified as uncertain significance.